The following is an entry in ClinVar:

ClinVar aggregate classification (germline): Likely pathogenic (1 of 4 stars; one submission).

Conditions:
Glycogen storage disease type III (GSD3). Also called: FORBES DISEASE; Cori disease. Identifiers: Orphanet 366, MedGen C0017922, MONDO:0009291, OMIM 232400.

Submission:

Natera, Inc.
Classification: Likely pathogenic for Glycogen storage disease type III. Last evaluated: 2025-12-10. Review status: criteria provided, single submitter. Criteria: Natera Variant Classification Schema (03/2026). Collection method: clinical testing. Allele origin: germline.
Comment: The c.3052_3053delCT variant in AGL is a frameshift variant predicted to shift the reading frame beginning at codon 1018 and leads to a stop codon 51 codons downstream. This variant is expected to result in nonsense mediated decay, truncation, or a dysfunctional protein product. This variant is rare in the general population with a frequency below the threshold expected for the associated phenotype(s). Given the available evidence, this variant is classified as Likely Pathogenic.

NM_000642.3(AGL):c.3052_3053del (p.Leu1018fs)

Gene: AGL (amylo-alpha-1,6-glucosidase and 4-alpha-glucanotransferase; plus strand). Cytogenetic location: 1p21.2.
Variant type: Microsatellite.
Coding change: c.3052_3053del on transcript NM_000642.3 (MANE Select); coding-DNA positions 3052 to 3053, 2 bases deleted (CT; older notation c.3052_3053delCT).
Protein change: p.Leu1018fs; shifts the reading frame from leucine 1018.
Molecular consequence: frameshift variant.
Genome position (GRCh38, 1-based): chr1:99,891,708-99,891,709, CT deleted; deleting any 2 consecutive bases within chr1:99,891,706-99,891,709 gives the same sequence; the c. name uses the placement nearest the transcript's 3' end. VCF-style (leftmost placement, unchanged base first): chr1-99891705-ACT-A. GRCh37 (hg19) VCF-style: chr1-100357261-ACT-A.
Other names: c.3052_3053del, p.Leu1018fs (NM_000028.3, NM_000643.3, NM_000644.3 and 1 more transcripts); c.3004_3005del, p.Leu1002fs (NM_000646.3); c.3031_3032del, p.Leu1011fs (NM_001425326.1); c.2851_2852del, p.Leu951fs (NM_001425327.1); c.2848_2849del, p.Leu950fs (NM_001425328.1); c.2713_2714del, p.Leu905fs (NM_001425329.1); c.2674_2675del, p.Leu892fs (NM_001425332.1); short protein forms L1002fs, L1011fs, L1018fs, L892fs, L905fs, L950fs, L951fs.
Identifiers: ClinVar variation 4814444 (VCV004814444.1).